The following is an entry in ClinVar:

ClinVar aggregate classification (germline): Uncertain significance. Review status: criteria provided, multiple submitters, no conflicts (2 of 4 stars). 2 submissions from 2 submitters: Uncertain significance (2). Last evaluated 2021-12-17.

Submissions (2):

Ambry Genetics
Classification: Uncertain significance. Last evaluated: 2021-12-17. Review status: criteria provided, single submitter. Criteria: Ambry Variant Classification Scheme 2023. Collection method: clinical testing. Allele origin: germline.
Comment: The p.I516M variant (also known as c.1548T>G), located in coding exon 12 of the RECQL gene, results from a T to G substitution at nucleotide position 1548. The isoleucine at codon 516 is replaced by methionine, an amino acid with highly similar properties. This amino acid position is not well conserved in available vertebrate species, and methionine is the reference amino acid in other vertebrate species. In addition, this alteration is predicted to be tolerated by in silico analysis. The evidence for this gene-disease relationship is limited; therefore, the clinical significance of this alteration is unclear.

Labcorp Genetics (formerly Invitae), Labcorp
Classification: Uncertain significance. Last evaluated: 2021-05-03. Review status: criteria provided, single submitter. Criteria: Invitae Variant Classification Sherloc (09022015). Collection method: clinical testing. Allele origin: germline.
Comment: In summary, the available evidence is currently insufficient to determine the role of this variant in disease. Therefore, it has been classified as a Variant of Uncertain Significance. Algorithms developed to predict the effect of missense changes on protein structure and function output the following: SIFT: "Tolerated"; PolyPhen-2: "Benign"; Align-GVGD: "Class C0". The methionine amino acid residue is found in multiple mammalian species, suggesting that this missense change does not adversely affect protein function. These predictions have not been confirmed by published functional studies and their clinical significance is uncertain. This variant has not been reported in the literature in individuals with RECQL-related conditions. This variant is not present in population databases (ExAC no frequency). This sequence change replaces isoleucine with methionine at codon 516 of the RECQL protein (p.Ile516Met). The isoleucine residue is moderately conserved and there is a small physicochemical difference between isoleucine and methionine.

NM_002907.4(RECQL):c.1548T>G (p.Ile516Met)

Gene: RECQL (RecQ like helicase; minus strand). Cytogenetic location: 12p12.1.
Variant type: single nucleotide variant.
Coding change: c.1548T>G on transcript NM_002907.4 (MANE Select); coding-DNA position 1548, T replaced by G.
Protein change: p.Ile516Met; replaces isoleucine 516 with methionine.
Molecular consequence: missense variant.
Genome position (GRCh38, 1-based): chr12:21,471,547, A>C on the plus strand (T>G on the coding strand, the complement: RECQL is on the minus strand). VCF-style: chr12-21471547-A-C. GRCh37 (hg19) VCF-style: chr12-21624481-A-C.
Other names: c.1548T>G, p.Ile516Met (NM_032941.3); short protein forms I516M.
Identifiers: ClinVar variation 1395534 (VCV001395534.10), dbSNP rs377658330, ClinGen allele CA233565404.
Genomic context (GRCh38, chr12:21,471,547, plus strand): 5'-TGTGGGAGCCACAACACCTGCTACTCTCAGTTTTGCTGCACCCTTTCCCATCCAAGAATC[A>C]ATCAGTTTCAATGGAGTGAGTTTTTCATTCAGTTCCTCTGCCTGCTTCAGGATCTTGATT-3'
Protein context (NP_002898.2, residues 506-526): LNEKLTPLKL[Ile516Met]DSWMGKGAAK